The following is an entry in ClinVar:

NM_000875.5(IGF1R):c.117C>G (p.Ile39Met)

Gene: IGF1R (insulin like growth factor 1 receptor; plus strand). Cytogenetic location: 15q26.3.
Variant type: single nucleotide variant.
Coding change: c.117C>G on transcript NM_000875.5 (MANE Select); coding-DNA position 117, C replaced by G.
Protein change: p.Ile39Met; replaces isoleucine 39 with methionine.
Molecular consequence: missense variant.
Genome position (GRCh38, 1-based): chr15:98,707,584, C>G. VCF-style: chr15-98707584-C-G. GRCh37 (hg19) VCF-style: chr15-99250813-C-G.
Other names: c.117C>G, p.Ile39Met (NM_001291858.2); short protein forms I39M.
Identifiers: ClinVar variation 4527549 (VCV004527549.1).

ClinVar aggregate classification (germline): Uncertain significance (1 of 4 stars; one submission).

Submission:

GeneDx
Classification: Uncertain significance. Last evaluated: 2025-04-23. Review status: criteria provided, single submitter. Criteria: GeneDx Variant Classification Process June 2021. Collection method: clinical testing. Allele origin: germline. Affected: yes.
Comment: Not observed at significant frequency in large population cohorts (gnomAD); In silico analysis indicates that this missense variant does not alter protein structure/function; Has not been previously published as pathogenic or benign to our knowledge